The following is an entry in ClinVar:

NM_001127671.2(LIFR):c.2679T>G (p.Ser893Arg)

Gene: LIFR (LIF receptor subunit alpha; minus strand). Cytogenetic location: 5p13.1.
Variant type: single nucleotide variant.
Coding change: c.2679T>G on transcript NM_001127671.2 (MANE Select); coding-DNA position 2679, T replaced by G.
Protein change: p.Ser893Arg; replaces serine 893 with arginine.
Molecular consequence: missense variant.
Genome position (GRCh38, 1-based): chr5:38,482,210, A>C on the plus strand (T>G on the coding strand, the complement: LIFR is on the minus strand). VCF-style: chr5-38482210-A-C. GRCh37 (hg19) VCF-style: chr5-38482312-A-C.
Other names: c.2679T>G (NM_002310.5); c.2679T>G, p.Ser893Arg (NM_001364297.2, NM_002310.6); c.2646T>G, p.Ser882Arg (NM_001364298.2); short protein forms S882R, S893R.
Identifiers: ClinVar variation 2199099 (VCV002199099.3), dbSNP rs376229947, ClinGen allele CA3242584.

ClinVar aggregate classification (germline): Uncertain significance. Review status: criteria provided, multiple submitters, no conflicts (2 of 4 stars). 2 submissions from 2 submitters: Uncertain significance (2). Last evaluated 2025-11-12.

Conditions:
Inborn genetic diseases. Identifiers: MedGen C0950123, MeSH D030342.

Allele frequency attached by ClinVar (database versions not stated): gnomAD 0.00013; TOPMed 0.00006; ESP Exome Variant Server 0.00008; ExAC 0.00023.
gnomAD v4.1: 152 of 1,604,554 alleles (0.0095%); highest among the groups gnomAD compares: Middle Eastern, 0.017%; no homozygotes.

Submissions (2):

Ambry Genetics
Classification: Uncertain significance for Inborn genetic diseases. Last evaluated: 2025-11-12. Review status: criteria provided, single submitter. Criteria: Ambry Variant Classification Scheme 2023. Collection method: clinical testing. Allele origin: germline.

Labcorp Genetics (formerly Invitae), Labcorp
Classification: Uncertain significance. Last evaluated: 2024-11-25. Review status: criteria provided, single submitter. Criteria: Invitae Variant Classification Sherloc (09022015). Collection method: clinical testing. Allele origin: germline.
Comment: This sequence change replaces serine, which is neutral and polar, with arginine, which is basic and polar, at codon 893 of the LIFR protein (p.Ser893Arg). This variant is present in population databases (rs376229947, gnomAD 0.05%). This variant has not been reported in the literature in individuals affected with LIFR-related conditions. ClinVar contains an entry for this variant (Variation ID: 2199099). An algorithm developed to predict the effect of missense changes on protein structure and function (PolyPhen-2) suggests that this variant¬†is likely to be tolerated. In summary, the available evidence is currently insufficient to determine the role of this variant in disease. Therefore, it has been classified as a Variant of Uncertain Significance.